The following is an entry in ClinVar:

ClinVar aggregate classification (germline): Uncertain significance (1 of 4 stars; one submission).

Submission:

Ambry Genetics
Classification: Uncertain significance. Last evaluated: 2025-07-16. Review status: criteria provided, single submitter. Criteria: Ambry Variant Classification Scheme 2023. Collection method: clinical testing. Allele origin: germline.
Comment: The p.H208Y variant (also known as c.622C>T), located in coding exon 5 of the RINT1 gene, results from a C to T substitution at nucleotide position 622. The histidine at codon 208 is replaced by tyrosine, an amino acid with similar properties. This amino acid position is conserved. In addition, this alteration is predicted to be tolerated by in silico analysis. Based on the available evidence, the clinical significance of this variant remains unclear.

NM_021930.6(RINT1):c.622C>T (p.His208Tyr)

Gene: RINT1 (RAD50 interactor 1; plus strand). Cytogenetic location: 7q22.3.
Variant type: single nucleotide variant.
Coding change: c.622C>T on transcript NM_021930.6 (MANE Select); coding-DNA position 622, C replaced by T.
Protein change: p.His208Tyr; replaces histidine 208 with tyrosine.
Molecular consequence: missense variant. On other transcripts: 5 prime UTR variant (2), non-coding transcript variant (1), intron variant (1).
Genome position (GRCh38, 1-based): chr7:105,547,016, C>T. VCF-style: chr7-105547016-C-T. GRCh37 (hg19) VCF-style: chr7-105187463-C-T.
Other names: c.388C>T, p.His130Tyr (NM_001346599.2); c.-398C>T (NM_001346600.2); c.-301C>T (NM_001346601.2); c.-27-3039C>T (NM_001346603.2); short protein forms H130Y, H208Y.
Identifiers: ClinVar variation 4154606 (VCV004154606.1).